The following is an entry in ClinVar:

ClinVar aggregate classification (germline): Pathogenic (1 of 4 stars; one submission).

Conditions:
Arrhythmogenic right ventricular dysplasia 11. Also called: Arrhythmogenic Right Ventricular Dysplasia/Cardiomyopathy11; ARRHYTHMOGENIC RIGHT VENTRICULAR DYSPLASIA, FAMILIAL, 11; Arrhythmogenic right ventricular dysplasia 11 with mild palmoplantar keratoderma and woolly hair. Identifiers: MedGen C1864850, MONDO:0012506, OMIM 610476.

Submission:

Labcorp Genetics (formerly Invitae), Labcorp
Classification: Pathogenic for Arrhythmogenic right ventricular dysplasia 11. Last evaluated: 2024-11-18. Review status: criteria provided, single submitter. Criteria: Invitae Variant Classification Sherloc (09022015). Collection method: clinical testing. Allele origin: germline.
Comment: This sequence change creates a premature translational stop signal (p.Gln310Leufs*8) in the DSC2 gene. It is expected to result in an absent or disrupted protein product. Loss-of-function variants in DSC2 are known to be pathogenic (PMID: 23911551). Information on the frequency of this variant in the gnomAD database is not available, as this variant may be reported differently in the database. This variant has not been reported in the literature in individuals affected with DSC2-related conditions. For these reasons, this variant has been classified as Pathogenic.

Literature cited by the submitters: PubMed 23911551.

NM_024422.6(DSC2):c.929delinsTT (p.Gln310fs)

Gene: DSC2 (desmocollin 2; minus strand). Cytogenetic location: 18q12.1.
Variant type: Indel.
Coding change: c.929delinsTT on transcript NM_024422.6 (MANE Select); coding-DNA position 929, A replaced by TT.
Protein change: p.Gln310fs; shifts the reading frame from glutamine 310.
Molecular consequence: frameshift variant.
Genome position (GRCh38, 1-based): chr18:31,086,589, T replaced by AA on the plus strand (A replaced by TT on the coding strand, the reverse complement: DSC2 is on the minus strand). VCF-style: chr18-31086589-T-AA. GRCh37 (hg19) VCF-style: chr18-28666552-T-AA.
Other names: c.500delAinsTT, p.Gln167Leufs (NM_001406506.1, NM_001406507.1); c.929delinsTT, p.Gln310fs (NM_004949.5); short protein forms Q310fs.
Identifiers: ClinVar variation 1967841 (VCV001967841.5), dbSNP rs2510951125, ClinGen allele CA2580095580.